The following is an entry in ClinVar:

ClinVar aggregate classification (germline): Uncertain significance (1 of 4 stars; one submission).

Conditions:
Primary ciliary dyskinesia. Also called: Ciliary dyskinesia. Identifiers: Orphanet 244, MedGen C0008780, MONDO:0016575, HP:0012265.

gnomAD v4.1: 1 of 1,613,780 alleles (0.000062%); highest among the groups gnomAD compares: Non-Finnish European, 0.000085%; no homozygotes.

Submission:

Labcorp Genetics (formerly Invitae), Labcorp
Classification: Uncertain significance for Primary ciliary dyskinesia. Last evaluated: 2026-01-12. Review status: criteria provided, single submitter. Criteria: Invitae Variant Classification Sherloc (09022015). Collection method: clinical testing. Allele origin: germline.
Comment: This sequence change replaces serine, which is neutral and polar, with threonine, which is neutral and polar, at codon 1208 of the DNAH8 protein (p.Ser1208Thr). This variant is present in population databases (no rsID available, gnomAD 0.0009%). This variant has not been reported in the literature in individuals affected with DNAH8-related conditions. Experimental studies and prediction algorithms are not available or were not evaluated, and the functional significance of this variant is currently unknown. In summary, the available evidence is currently insufficient to determine the role of this variant in disease. Therefore, it has been classified as a Variant of Uncertain Significance.

NM_001206927.2(DNAH8):c.3622T>A (p.Ser1208Thr)

Gene: DNAH8 (dynein axonemal heavy chain 8; plus strand). Cytogenetic location: 6p21.2.
Variant type: single nucleotide variant.
Coding change: c.3622T>A on transcript NM_001206927.2 (MANE Select); coding-DNA position 3622, T replaced by A.
Protein change: p.Ser1208Thr; replaces serine 1208 with threonine.
Molecular consequence: missense variant.
Genome position (GRCh38, 1-based): chr6:38,822,936, T>A. VCF-style: chr6-38822936-T-A. GRCh37 (hg19) VCF-style: chr6-38790712-T-A.
Other names: c.2971T>A, p.Ser991Thr (NM_001371.4); short protein forms S1208T, S991T.
Identifiers: ClinVar variation 4807819 (VCV004807819.1).